The following is an entry in ClinVar:

ClinVar aggregate classification (germline): Uncertain significance (1 of 4 stars; one submission).

Conditions:
Long QT syndrome (LQTS). Identifiers: MedGen C0023976, MeSH D008133, MONDO:0002442. Disease mechanism: loss of function. Inheritance: Various modes of inheritance.

Allele frequency attached by ClinVar (database versions not stated): TOPMed below 0.00001; gnomAD 0.00002.
gnomAD v4.1: 8 of 1,613,922 alleles (0.0005%); highest among the groups gnomAD compares: Non-Finnish European, 0.00068%; no homozygotes.

Submission:

Labcorp Genetics (formerly Invitae), Labcorp
Classification: Uncertain significance for Long QT syndrome. Last evaluated: 2025-08-18. Review status: criteria provided, single submitter. Criteria: Invitae Variant Classification Sherloc (09022015). Collection method: clinical testing. Allele origin: germline.
Comment: This sequence change replaces threonine, which is neutral and polar, with serine, which is neutral and polar, at codon 2752 of the ANK2 protein (p.Thr2752Ser). This variant is present in population databases (no rsID available, gnomAD 0.002%). This variant has not been reported in the literature in individuals affected with ANK2-related conditions. ClinVar contains an entry for this variant (Variation ID: 938762). An algorithm developed to predict the effect of missense changes on protein structure and function (PolyPhen-2) suggests that this variant is likely to be tolerated. In summary, the available evidence is currently insufficient to determine the role of this variant in disease. Therefore, it has been classified as a Variant of Uncertain Significance.

NM_001148.6(ANK2):c.8255C>G (p.Thr2752Ser)

Gene: ANK2 (ankyrin 2; plus strand). Cytogenetic location: 4q26.
Variant type: single nucleotide variant.
Coding change: c.8255C>G on transcript NM_001148.6 (MANE Select); coding-DNA position 8255, C replaced by G.
Protein change: p.Thr2752Ser; replaces threonine 2752 with serine.
Molecular consequence: missense variant. On other transcripts: intron variant (68).
Genome position (GRCh38, 1-based): chr4:113,356,873, C>G. VCF-style: chr4-113356873-C-G. GRCh37 (hg19) VCF-style: chr4-114278029-C-G.
Other names: c.4364-3950C>G (NM_001354255.2, NM_001386143.1, NM_001354243.2); c.4265-3950C>G (NM_001354262.2, NM_001354275.2, NM_001354245.2); c.4202-3950C>G (NM_001354253.2, NM_001354270.2); c.4166-3950C>G (NM_001354257.2, NM_001386156.1); c.8021C>G, p.Thr2674Ser (NM_001386142.1); c.4241-3950C>G (NM_001354249.2, NM_001354266.2, NM_001354276.2 and 2 more transcripts); c.4655C>G, p.Thr1552Ser (NM_001386166.1); c.8396C>G, p.Thr2799Ser (NM_001386174.1); and 35 more; short protein forms T2752S, T1552S, T2674S, T2791S, T2799S.
Identifiers: ClinVar variation 938762 (VCV000938762.6), dbSNP rs751253688, ClinGen allele CA357933573.